The following is an entry in ClinVar:

ClinVar aggregate classification (germline): Uncertain significance. Review status: criteria provided, multiple submitters, no conflicts (2 of 4 stars). 2 submissions from 2 submitters: Uncertain significance (2). Last evaluated 2025-07-17.

Conditions:
High myopia-sensorineural deafness syndrome. Also called: Deafness and myopia. Identifiers: Orphanet 363396, MedGen C3806275, MONDO:0009082, OMIM 221200.

Allele frequency attached by ClinVar (database versions not stated): gnomAD exomes 0.00002 and 0.00003; ExAC 0.00004; gnomAD 0.00007 and 0.00008; ESP Exome Variant Server 0.00008; TOPMed 0.00009.
gnomAD v4.1: 39 of 1,613,120 alleles (0.0024%); highest among the groups gnomAD compares: African/African-American, 0.013%; no homozygotes.

Submissions (2):

GeneDx
Classification: Uncertain significance. Last evaluated: 2025-07-17. Review status: criteria provided, single submitter. Criteria: GeneDx Variant Classification Process June 2021. Collection method: clinical testing. Allele origin: germline. Affected: yes.
Comment: In silico analysis suggests that this missense variant does not alter protein structure/function; Has not been previously published as pathogenic or benign to our knowledge

Fulgent Genetics
Classification: Uncertain significance for High myopia-sensorineural deafness syndrome. Last evaluated: 2022-01-17. Review status: criteria provided, single submitter. Criteria: ACMG Guidelines, 2015. Collection method: clinical testing. Allele origin: unknown.

NM_032229.3(SLITRK6):c.2261C>T (p.Ser754Leu)

Gene: SLITRK6 (SLIT and NTRK like family member 6; minus strand). Cytogenetic location: 13q31.1.
Variant type: single nucleotide variant.
Coding change: c.2261C>T on transcript NM_032229.3 (MANE Select); coding-DNA position 2261, C replaced by T.
Protein change: p.Ser754Leu; replaces serine 754 with leucine.
Molecular consequence: missense variant.
Genome position (GRCh38, 1-based): chr13:85,794,248, G>A on the plus strand (C>T on the coding strand, the complement: SLITRK6 is on the minus strand). VCF-style: chr13-85794248-G-A. GRCh37 (hg19) VCF-style: chr13-86368383-G-A.
Other names: short protein forms S754L.
Identifiers: ClinVar variation 1300502 (VCV001300502.4), dbSNP rs369642690, ClinGen allele CA7014930.